The following is an entry in ClinVar:

ClinVar aggregate classification (germline): Likely benign (1 of 4 stars; one submission).

Conditions:
EP300-related disorder. Also called: EP300-related condition; EP300-related disorders.

gnomAD v4.1: 9 of 1,614,168 alleles (0.00056%); highest among the groups gnomAD compares: Admixed American, 0.013%; no homozygotes.

Submission:

PreventionGenetics, part of Exact Sciences
Classification: Likely benign for EP300-related condition. Last evaluated: 2025-12-26. Review status: criteria provided, single submitter. Criteria: ACMG Guidelines, 2015. Collection method: clinical testing. Allele origin: germline.
Comment: This variant is classified as likely benign based on ACMG/AMP sequence variant interpretation guidelines (Richards et al. 2015 PMID: 25741868, with internal and published modifications).

NM_001429.4(EP300):c.1965G>A (p.Gln655=)

Gene: EP300 (EP300 lysine acetyltransferase; plus strand). Cytogenetic location: 22q13.2.
Variant type: single nucleotide variant.
Coding change: c.1965G>A on transcript NM_001429.4 (MANE Select); coding-DNA position 1965, G replaced by A.
Protein change: p.Gln655=; no amino-acid change (glutamine 655 retained).
Molecular consequence: synonymous variant.
Genome position (GRCh38, 1-based): chr22:41,141,134, G>A. VCF-style: chr22-41141134-G-A. GRCh37 (hg19) VCF-style: chr22-41537138-G-A.
Other names: c.1965G>A, p.Gln655= (NM_001362843.2).
Identifiers: ClinVar variation 4986725 (VCV004986725.1).